The following is an entry in ClinVar:

NM_144997.7(FLCN):c.1503C>G (p.Asp501Glu)

Gene: FLCN (folliculin; minus strand). Cytogenetic location: 17p11.2.
Variant type: single nucleotide variant.
Coding change: c.1503C>G on transcript NM_144997.7 (MANE Select); coding-DNA position 1503, C replaced by G.
Protein change: p.Asp501Glu; replaces aspartic acid 501 with glutamic acid.
Molecular consequence: missense variant.
Genome position (GRCh38, 1-based): chr17:17,215,020, G>C on the plus strand (C>G on the coding strand, the complement: FLCN is on the minus strand). VCF-style: chr17-17215020-G-C. GRCh37 (hg19) VCF-style: chr17-17118334-G-C.
Other names: c.1557C>G, p.Asp519Glu (NM_001353229.2); c.1503C>G, p.Asp501Glu (NM_001353230.2, NM_001353231.2); short protein forms D501E, D519E.
Identifiers: ClinVar variation 4871388 (VCV004871388.1).

ClinVar aggregate classification (germline): Uncertain significance (1 of 4 stars; one submission).

Conditions:
Hereditary cancer-predisposing syndrome. Also called: Neoplastic Syndromes, Hereditary; Hereditary Cancer Syndrome; Hereditary neoplastic syndrome; Tumor predisposition. Identifiers: Orphanet 140162, MedGen C0027672, MeSH D009386, MONDO:0015356.

Submission:

Ambry Genetics
Classification: Uncertain significance for Hereditary cancer-predisposing syndrome. Last evaluated: 2026-05-02. Review status: criteria provided, single submitter. Criteria: Ambry Variant Classification Scheme 2023. Collection method: clinical testing. Allele origin: germline.
Comment: The p.D501E variant (also known as c.1503C>G), located in coding exon 10 of the FLCN gene, results from a C to G substitution at nucleotide position 1503. The aspartic acid at codon 501 is replaced by glutamic acid, an amino acid with highly similar properties. This amino acid position is conserved. In addition, this alteration is predicted to be tolerated by in silico analysis. Based on the available evidence, the clinical significance of this variant remains unclear.